The following is an entry in ClinVar:

ClinVar aggregate classification (germline): Likely benign. Review status: criteria provided, multiple submitters, no conflicts (2 of 4 stars). 3 submissions from 3 submitters: Likely benign (2). 1 of the submissions does not count toward it. Last evaluated 2025-05-25.

Conditions:
CLIC5-related disorder. Also called: CLIC5-related condition.

Allele frequency attached by ClinVar (database versions not stated): ESP Exome Variant Server 0.00008; ExAC 0.00012; gnomAD exomes 0.00012 and 0.00033.
gnomAD v4.1: 491 of 1,601,610 alleles (0.031%); highest among the groups gnomAD compares: Non-Finnish European, 0.041%; 2 homozygotes.

Submissions (3):

Labcorp Genetics (formerly Invitae), Labcorp
Classification: Likely benign. Last evaluated: 2025-05-25. Review status: criteria provided, single submitter. Criteria: Invitae Variant Classification Sherloc (09022015). Collection method: clinical testing. Allele origin: germline.

GeneDx
Classification: Likely benign. Last evaluated: 2020-04-02. Review status: criteria provided, single submitter. Criteria: GeneDx Variant Classification Process June 2021. Collection method: clinical testing. Allele origin: germline. Affected: yes.

PreventionGenetics, part of Exact Sciences
Classification: Likely benign for CLIC5-related condition. Last evaluated: 2019-09-06. Review status: no assertion criteria provided. Collection method: clinical testing. Allele origin: germline. Not counted in ClinVar's aggregate classification.
Comment: This variant is classified as likely benign based on ACMG/AMP sequence variant interpretation guidelines (Richards et al. 2015 PMID: 25741868, with internal and published modifications).

NM_016929.5(CLIC5):c.456G>T (p.Leu152=)

Gene: CLIC5 (chloride intracellular channel 5; minus strand). Cytogenetic location: 6p21.1.
Variant type: single nucleotide variant.
Coding change: c.456G>T on transcript NM_016929.5 (MANE Select); coding-DNA position 456, G replaced by T.
Protein change: p.Leu152=; no amino-acid change (leucine 152 retained).
Molecular consequence: synonymous variant. On other transcripts: non-coding transcript variant (3).
Genome position (GRCh38, 1-based): chr6:45,914,360, C>A on the plus strand (G>T on the coding strand, the complement: CLIC5 is on the minus strand). VCF-style: chr6-45914360-C-A. GRCh37 (hg19) VCF-style: chr6-45882097-C-A.
Other names: c.933G>T, p.Leu311= (NM_001114086.2, NM_001370650.1); c.456G>T, p.Leu152= (NM_001256023.2); c.339G>T, p.Leu113= (NM_001370649.1).
Identifiers: ClinVar variation 1318088 (VCV001318088.11), dbSNP rs199809331, ClinGen allele CA3836764.